The following is an entry in ClinVar:

ClinVar aggregate classification (germline): Likely pathogenic (1 of 4 stars; one submission).

Conditions:
Fanconi anemia (FA). Also called: Fanconi's anemia. Identifiers: Orphanet 84, MedGen C0015625, MeSH D005199, MONDO:0019391.

Submission:

Labcorp Genetics (formerly Invitae), Labcorp
Classification: Likely pathogenic for Fanconi anemia. Last evaluated: 2019-11-25. Review status: criteria provided, single submitter. Criteria: Invitae Variant Classification Sherloc (09022015). Collection method: clinical testing. Allele origin: germline.
Comment: This variant is an in-frame deletion of the genomic region encompassing 9-14 of the FANCA gene. It preserves the integrity of the reading frame. In summary, the currently available evidence indicates that the variant is pathogenic, but additional data are needed to prove that conclusively. Therefore, this variant has been classified as Likely Pathogenic. This variant disrupts the p.Arg435 amino acid residue in FANCA. Other variants that disrupt this residue have been determined to be pathogenic (PMID: 28102861, 15523645, 10090479, 11739169, 12444097, 19367192, Invitae). This suggests that this residue is clinically significant, and that variants that disrupt this residue are likely to be disease-causing. This variant has not been reported in the literature in individuals with FANCA-related conditions.

Literature cited by the submitters: PubMed 28102861; PubMed 15523645; PubMed 10090479; PubMed 11739169; PubMed 12444097; PubMed 19367192.

NC_000016.10:g.(?_89791393)_(89799648_?)del

Gene: FANCA (FA complementation group A; minus strand). Cytogenetic location: 16q24.3.
Variant type: Deletion.
Identifiers: ClinVar variation 831166 (VCV000831166.7).